The following is an entry in ClinVar:

ClinVar aggregate classification (germline): Benign/Likely benign. Review status: criteria provided, multiple submitters, no conflicts (2 of 4 stars). 3 submissions from 3 submitters: Benign (1); Likely benign (2). Last evaluated 2024-07-17.

Conditions:
Hereditary cancer-predisposing syndrome. Also called: Neoplastic Syndromes, Hereditary; Tumor predisposition; Hereditary Cancer Syndrome; Hereditary neoplastic syndrome. Identifiers: Orphanet 140162, MedGen C0027672, MeSH D009386, MONDO:0015356.
BAP1-related tumor predisposition syndrome (TPDS1). Also called: COMMON Syndrome; TUMOR PREDISPOSITION SYNDROME 1; BAP1 tumor predisposition syndrome; Tumor susceptibility linked to germline BAP1 mutations. Identifiers: Orphanet 289539, MedGen C3280492, MONDO:0013692, OMIM 614327.

Allele frequency attached by ClinVar (database versions not stated): ExAC 0.00001.

Submissions (3):

Myriad Genetics, Inc.
Classification: Benign for BAP1-related tumor predisposition syndrome. Last evaluated: 2024-07-17. Review status: criteria provided, single submitter. Criteria: Myriad Autosomal Dominant, Autosomal Recessive and X-Linked Classification Criteria (2023). Collection method: clinical testing. Allele origin: unknown.
Comment: This variant is considered benign. This variant is a silent/synonymous amino acid change and it is not expected to impact splicing.

Labcorp Genetics (formerly Invitae), Labcorp
Classification: Likely benign for BAP1-related tumor predisposition syndrome. Last evaluated: 2023-05-03. Review status: criteria provided, single submitter. Criteria: Invitae Variant Classification Sherloc (09022015). Collection method: clinical testing. Allele origin: germline.

Ambry Genetics
Classification: Likely benign for Hereditary cancer-predisposing syndrome. Last evaluated: 2021-10-27. Review status: criteria provided, single submitter. Criteria: Ambry Variant Classification Scheme 2023. Collection method: clinical testing. Allele origin: germline.

NM_004656.4(BAP1):c.2037C>A (p.Ile679=)

Gene: BAP1 (BRCA1 associated deubiquitinase 1; minus strand). Cytogenetic location: 3p21.1.
Variant type: single nucleotide variant.
Coding change: c.2037C>A on transcript NM_004656.4 (MANE Select); coding-DNA position 2037, C replaced by A.
Protein change: p.Ile679=; no amino-acid change (isoleucine 679 retained).
Molecular consequence: synonymous variant.
Genome position (GRCh38, 1-based): chr3:52,402,621, G>T on the plus strand (C>A on the coding strand, the complement: BAP1 is on the minus strand). VCF-style: chr3-52402621-G-T. GRCh37 (hg19) VCF-style: chr3-52436637-G-T.
Other names: c.1983C>A, p.Ile661= (NM_001410772.1).
Identifiers: ClinVar variation 1784828 (VCV001784828.6), dbSNP rs775374708, ClinGen allele CA2436618.